The following is an entry in ClinVar:

ClinVar aggregate classification (germline): Uncertain significance (1 of 4 stars; one submission).

Conditions:
Inborn genetic diseases. Identifiers: MedGen C0950123, MeSH D030342.

gnomAD v4.1: 1 of 1,614,094 alleles (0.000062%); highest among the groups gnomAD compares: Non-Finnish European, 0.000085%; no homozygotes.

Submission:

Ambry Genetics
Classification: Uncertain significance for Inborn genetic diseases. Last evaluated: 2026-03-14. Review status: criteria provided, single submitter. Criteria: Ambry Variant Classification Scheme 2023. Collection method: clinical testing. Allele origin: germline.
Comment: The p.G321S variant (also known as c.961G>A), located in coding exon 6 of the ERCC6L2 gene, results from a G to A substitution at nucleotide position 961. The glycine at codon 321 is replaced by serine, an amino acid with similar properties. This amino acid position is conserved. In addition, this alteration is predicted to be deleterious by in silico analysis. Based on the available evidence, the clinical significance of this variant remains unclear.

NM_020207.7(ERCC6L2):c.961G>A (p.Gly321Ser)

Gene: ERCC6L2 (ERCC excision repair 6 like 2; plus strand). Cytogenetic location: 9q22.32.
Variant type: single nucleotide variant.
Coding change: c.961G>A on transcript NM_020207.7 (MANE Select); coding-DNA position 961, G replaced by A.
Protein change: p.Gly321Ser; replaces glycine 321 with serine.
Molecular consequence: missense variant. On other transcripts: non-coding transcript variant (1).
Genome position (GRCh38, 1-based): chr9:95,916,237, G>A. VCF-style: chr9-95916237-G-A. GRCh37 (hg19) VCF-style: chr9-98678519-G-A.
Other names: c.961G>A, p.Gly321Ser (NM_001375292.1, NM_001375293.1, NM_001375294.1 and 2 more transcripts); short protein forms G321S.
Identifiers: ClinVar variation 4827696 (VCV004827696.1).